The following is an entry in ClinVar:

NM_000017.4(ACADS):c.1064C>T (p.Ala355Val)

Gene: ACADS (acyl-CoA dehydrogenase short chain; plus strand). Cytogenetic location: 12q24.31.
Variant type: single nucleotide variant.
Coding change: c.1064C>T on transcript NM_000017.4 (MANE Select); coding-DNA position 1064, C replaced by T.
Protein change: p.Ala355Val; replaces alanine 355 with valine.
Molecular consequence: missense variant.
Genome position (GRCh38, 1-based): chr12:120,739,174, C>T. VCF-style: chr12-120739174-C-T. GRCh37 (hg19) VCF-style: chr12-121176977-C-T.
Other names: c.1052C>T, p.Ala351Val (NM_001302554.2); short protein forms A355V, A351V.
Identifiers: ClinVar variation 565636 (VCV000565636.8), dbSNP rs770439736, ClinGen allele CA6831198.
Genomic context (GRCh38, chr12:120,739,174, plus strand): 5'-GGCTCTGACTGTACCCCCATGTTTAGGAGGCAGCCATGGCCAAGCTGGCCGCCTCGGAGG[C>T]CGCGACCGCCATCAGCCACCAGGTGAGTGTCCACAGTGAGCTCTGAGGGGGCCAGCTGCC-3'
Protein context (NP_000008.1, residues 345-365): AAMAKLAASE[Ala355Val]ATAISHQAIQ

ClinVar aggregate classification (germline): Uncertain significance (1 of 4 stars; one submission).

Conditions:
Deficiency of butyryl-CoA dehydrogenase (ACADSD). Also called: Short-Chain Acyl-CoA Dehydrogenase Deficiency; SCADH DEFICIENCY; ACADS DEFICIENCY; SCAD DEFICIENCY, MILD; ACYL-CoA DEHYDROGENASE, SHORT-CHAIN, DEFICIENCY OF; SCAD Deficiency. Identifiers: Orphanet 26792, MedGen C0342783, MONDO:0008722, OMIM 201470. Disease mechanism: May be benign.

Allele frequency attached by ClinVar (database versions not stated): gnomAD exomes below 0.00001; ExAC 0.00001.
gnomAD v4.1: 1 of 1,613,028 alleles (0.000062%); highest among the groups gnomAD compares: Non-Finnish European, 0.000085%; no homozygotes.

Submission:

Labcorp Genetics (formerly Invitae), Labcorp
Classification: Uncertain significance for Deficiency of butyryl-CoA dehydrogenase. Last evaluated: 2018-04-23. Review status: criteria provided, single submitter. Criteria: Invitae Variant Classification Sherloc (09022015). Collection method: clinical testing. Allele origin: germline.
Comment: This sequence change replaces alanine with valine at codon 355 of the ACADS protein (p.Ala355Val). The alanine residue is highly conserved and there is a small physicochemical difference between alanine and valine. This variant is present in population databases (rs770439736, ExAC 0.002%). This variant has not been reported in the literature in individuals with ACADS-related disease. In summary, the available evidence is currently insufficient to determine the role of this variant in disease. Therefore, it has been classified as a Variant of Uncertain Significance. Algorithms developed to predict the effect of missense changes on protein structure and function do not agree on the potential impact of this missense change (SIFT: "Deleterious"; PolyPhen-2: "Probably Damaging"; Align-GVGD: "Class C0").